The following is an entry in ClinVar:

NM_006892.4(DNMT3B):c.1844C>A (p.Thr615Asn)

Gene: DNMT3B (DNA methyltransferase 3 beta; plus strand). Cytogenetic location: 20q11.21.
Variant type: single nucleotide variant.
Coding change: c.1844C>A on transcript NM_006892.4 (MANE Select); coding-DNA position 1844, C replaced by A.
Protein change: p.Thr615Asn; replaces threonine 615 with asparagine.
Molecular consequence: missense variant.
Genome position (GRCh38, 1-based): chr20:32,800,237, C>A. VCF-style: chr20-32800237-C-A. GRCh37 (hg19) VCF-style: chr20-31388043-C-A.
Other names: c.1658C>A, p.Thr553Asn (NM_001207055.2); c.1556C>A, p.Thr519Asn (NM_001207056.2); c.1784C>A, p.Thr595Asn (NM_175848.2, NM_175849.2); c.1820C>A, p.Thr607Asn (NM_175850.3); short protein forms T595N, T519N, T607N, T615N, T553N.
Identifiers: ClinVar variation 2073779 (VCV002073779.4), dbSNP rs138244100, ClinGen allele CA9810722.

ClinVar aggregate classification (germline): Uncertain significance (1 of 4 stars; one submission).

Conditions:
Centromeric instability of chromosomes 1,9 and 16 and immunodeficiency (ICF1). Also called: CENTROMERIC INSTABILITY, IMMUNODEFICIENCY SYNDROME; Immunodeficiency-centromeric instability-facial anomalies; IMMUNE DEFICIENCY, VARIABLE, WITH CENTROMERIC INSTABILITY OF CHROMOSOMES 1, 9, AND 16; IMMUNODEFICIENCY SYNDROME, VARIABLE. Identifiers: Orphanet 2268, MedGen C0398788, MONDO:0000133.

Allele frequency attached by ClinVar (database versions not stated): ExAC 0.00002; ESP Exome Variant Server 0.00008.
gnomAD v4.1: 48 of 1,614,076 alleles (0.003%); highest among the groups gnomAD compares: Non-Finnish European, 0.0038%; no homozygotes.

Submission:

Labcorp Genetics (formerly Invitae), Labcorp
Classification: Uncertain significance for Centromeric instability of chromosomes 1,9 and 16 and immunodeficiency. Last evaluated: 2022-08-15. Review status: criteria provided, single submitter. Criteria: Invitae Variant Classification Sherloc (09022015). Collection method: clinical testing. Allele origin: germline.
Comment: In summary, the available evidence is currently insufficient to determine the role of this variant in disease. Therefore, it has been classified as a Variant of Uncertain Significance. Algorithms developed to predict the effect of missense changes on protein structure and function are either unavailable or do not agree on the potential impact of this missense change (SIFT: "Deleterious"; PolyPhen-2: "Benign"; Align-GVGD: "Class C55"). This variant has not been reported in the literature in individuals affected with DNMT3B-related conditions. This variant is present in population databases (rs138244100, gnomAD 0.003%). This sequence change replaces threonine, which is neutral and polar, with asparagine, which is neutral and polar, at codon 615 of the DNMT3B protein (p.Thr615Asn).